The following is an entry in ClinVar:

NM_015937.6(PIGT):c.1634A>G (p.Asn545Ser)

Gene: PIGT (phosphatidylinositol glycan anchor biosynthesis class T; plus strand). Cytogenetic location: 20q13.12.
Variant type: single nucleotide variant.
Coding change: c.1634A>G on transcript NM_015937.6 (MANE Select); coding-DNA position 1634, A replaced by G.
Protein change: p.Asn545Ser; replaces asparagine 545 with serine.
Molecular consequence: missense variant. On other transcripts: non-coding transcript variant (5).
Genome position (GRCh38, 1-based): chr20:45,425,723, A>G. VCF-style: chr20-45425723-A-G. GRCh37 (hg19) VCF-style: chr20-44054363-A-G.
Other names: c.1634A>G (NM_015937.5, NM_015937.4); c.1466A>G, p.Asn489Ser (NM_001184728.3); c.1433A>G, p.Asn478Ser (NM_001184729.3); c.1328A>G, p.Asn443Ser (NM_001184730.3); short protein forms N443S, N478S, N489S, N545S.
Identifiers: ClinVar variation 2198226 (VCV002198226.5), dbSNP rs376655698, ClinGen allele CA9878343.

ClinVar aggregate classification (germline): Uncertain significance. Review status: criteria provided, multiple submitters, no conflicts (2 of 4 stars). 3 submissions from 3 submitters: Uncertain significance (3). Last evaluated 2025-09-11.

Conditions:
Multiple congenital anomalies-hypotonia-seizures syndrome 3 (MCAHS3). Also called: GLYCOSYLPHOSPHATIDYLINOSITOL BIOSYNTHESIS DEFECT 7. Identifiers: Orphanet 369837, MedGen C3809356, MONDO:0014165, OMIM 615398.
Inborn genetic diseases. Identifiers: MedGen C0950123, MeSH D030342.

Allele frequency attached by ClinVar (database versions not stated): gnomAD exomes 0.00002; ExAC 0.00003; gnomAD 0.00007; TOPMed 0.00007.

Submissions (3):

Ambry Genetics
Classification: Uncertain significance for Inborn genetic diseases. Last evaluated: 2025-09-11. Review status: criteria provided, single submitter. Criteria: Ambry Variant Classification Scheme 2023. Collection method: clinical testing. Allele origin: germline.

GeneDx
Classification: Uncertain significance. Last evaluated: 2025-05-02. Review status: criteria provided, single submitter. Criteria: GeneDx Variant Classification Process June 2021. Collection method: clinical testing. Allele origin: germline. Affected: yes.
Comment: Not observed at significant frequency in large population cohorts (gnomAD); In silico analysis supports that this missense variant has a deleterious effect on protein structure/function; Has not been previously published as pathogenic or benign to our knowledge

Labcorp Genetics (formerly Invitae), Labcorp
Classification: Uncertain significance for Multiple congenital anomalies-hypotonia-seizures syndrome 3. Last evaluated: 2022-02-11. Review status: criteria provided, single submitter. Criteria: Invitae Variant Classification Sherloc (09022015). Collection method: clinical testing. Allele origin: germline.
Comment: This sequence change replaces asparagine, which is neutral and polar, with serine, which is neutral and polar, at codon 545 of the PIGT protein (p.Asn545Ser). This variant is present in population databases (rs376655698, gnomAD 0.01%). This variant has not been reported in the literature in individuals affected with PIGT-related conditions. Algorithms developed to predict the effect of missense changes on protein structure and function are either unavailable or do not agree on the potential impact of this missense change (SIFT: "Tolerated"; PolyPhen-2: "Probably Damaging"; Align-GVGD: "Class C0"). Algorithms developed to predict the effect of sequence changes on RNA splicing suggest that this variant may create or strengthen a splice site. In summary, the available evidence is currently insufficient to determine the role of this variant in disease. Therefore, it has been classified as a Variant of Uncertain Significance.